The following is an entry in ClinVar:

ClinVar aggregate classification (germline): Conflicting classifications of pathogenicity. Review status: criteria provided, conflicting classifications (1 of 4 stars). 9 submissions from 9 submitters: Uncertain significance (2); Likely benign (5). 2 of the submissions do not count toward it. Last evaluated 2025-12-30.

Conditions:
Autosomal recessive limb-girdle muscular dystrophy type 2B (LGMDR2). Also called: MUSCULAR DYSTROPHY, LIMB-GIRDLE, TYPE 3; MUSCULAR DYSTROPHY, LIMB-GIRDLE, AUTOSOMAL RECESSIVE 2; Limb-Girdle Muscular Dystrophy Type 2B (LGMD2B); Limb-girdle muscular dystrophy, type 2B. Identifiers: Orphanet 268, MedGen C1850889, MONDO:0009676, OMIM 253601.
DYSF-related disorder. Also called: DYSF-related condition; DYSF-related disorders.
Neuromuscular disease caused by qualitative or quantitative defects of dysferlin. Also called: Qualitative or quantitative defects of dysferlin; Dysferlinopathy. Identifiers: Orphanet 207073, MedGen C2931687, MONDO:0016145.

Allele frequency attached by ClinVar (database versions not stated): gnomAD exomes 0.00016; ExAC 0.00019; gnomAD 0.00072 and 0.00075; TOPMed 0.00072; ESP Exome Variant Server 0.00077; 1000 Genomes Project 30x 0.00078; 1000 Genomes Project 0.00100.
gnomAD v4.1: 263 of 1,614,104 alleles (0.016%); highest among the groups gnomAD compares: African/African-American, 0.27%; no homozygotes.

Submissions (9):

Labcorp Genetics (formerly Invitae), Labcorp
Classification: Likely benign for Neuromuscular disease caused by qualitative or quantitative defects of dysferlin. Last evaluated: 2025-12-30. Review status: criteria provided, single submitter. Criteria: Invitae Variant Classification Sherloc (09022015). Collection method: clinical testing. Allele origin: germline.

Mayo Clinic Laboratories, Mayo Clinic
Classification: Likely benign. Last evaluated: 2025-03-18. Review status: criteria provided, single submitter. Criteria: ACMG Guidelines, 2015. Collection method: clinical testing. Allele origin: germline. Observed: 2 variant alleles.
Comment: BP4, BP7

Blueprint Genetics
Classification: Likely benign. Last evaluated: 2023-03-31. Review status: criteria provided, single submitter. Criteria: ACMG Guidelines, 2015. Collection method: clinical testing. Allele origin: germline.

Athena Diagnostics
Classification: Likely benign. Last evaluated: 2020-11-12. Review status: criteria provided, single submitter. Criteria: Athena Diagnostics criteria. Collection method: clinical testing. Allele origin: unknown.

GeneDx
Classification: Likely benign. Last evaluated: 2018-03-01. Review status: criteria provided, single submitter. Criteria: GeneDx Variant Classification (06012015). Collection method: clinical testing. Allele origin: germline. Affected: yes.
Comment: This variant is considered likely benign or benign based on one or more of the following criteria: it is a conservative change, it occurs at a poorly conserved position in the protein, it is predicted to be benign by multiple in silico algorithms, and/or has population frequency not consistent with disease.

Illumina Laboratory Services, Illumina
Classification: Uncertain significance for Qualitative or quantitative defects of dysferlin. Last evaluated: 2018-01-13. Review status: criteria provided, single submitter. Criteria: ICSL Variant Classification Criteria 13 December 2019. Collection method: clinical testing. Allele origin: germline.

Eurofins Ntd Llc (ga)
Classification: Uncertain significance. Last evaluated: 2016-09-07. Review status: criteria provided, single submitter. Criteria: EGL Classification Definitions 2015. Collection method: clinical testing. Allele origin: germline. Observed: 5 variant alleles, 5 heterozygotes.

Natera, Inc.
Classification: Likely benign for Limb-girdle muscular dystrophy type 2B. Last evaluated: 2020-05-02. Review status: no assertion criteria provided. Collection method: clinical testing. Allele origin: germline. Not counted in ClinVar's aggregate classification.

PreventionGenetics, part of Exact Sciences
Classification: Likely benign for DYSF-related condition. Last evaluated: 2019-03-29. Review status: no assertion criteria provided. Collection method: clinical testing. Allele origin: germline. Not counted in ClinVar's aggregate classification.
Comment: This variant is classified as likely benign based on ACMG/AMP sequence variant interpretation guidelines (Richards et al. 2015 PMID: 25741868, with internal and published modifications).

NM_001130987.2(DYSF):c.6174-9C>T

Gene: DYSF (dysferlin; plus strand). Cytogenetic location: 2p13.2.
Variant type: single nucleotide variant.
Coding change: c.6174-9C>T on transcript NM_001130987.2 (MANE Select); 9 bases into the intron before coding-DNA position 6174, C replaced by T.
Molecular consequence: intron variant.
Genome position (GRCh38, 1-based): chr2:71,682,521, C>T. VCF-style: chr2-71682521-C-T. GRCh37 (hg19) VCF-style: chr2-71909651-C-T.
Other names: p.?; c.6150-9C>T (NM_001130979.2); c.6171-9C>T (NM_001130981.2); c.6108-9C>T (NM_001130980.2); c.6120-9C>T (NM_001130978.2); c.6057-9C>T (NM_003494.4); c.6078-9C>T (NM_001130977.2); c.6015-9C>T (NM_001130976.2); and 6 more.
Identifiers: ClinVar variation 291168 (VCV000291168.26), dbSNP rs201070766, ClinGen allele CA1707635.